The following is an entry in ClinVar:

NM_004415.4(DSP):c.2990C>T (p.Ala997Val)

Gene: DSP (desmoplakin; plus strand). Cytogenetic location: 6p24.3.
Variant type: single nucleotide variant.
Coding change: c.2990C>T on transcript NM_004415.4 (MANE Select); coding-DNA position 2990, C replaced by T.
Protein change: p.Ala997Val; replaces alanine 997 with valine.
Molecular consequence: missense variant.
Genome position (GRCh38, 1-based): chr6:7,578,468, C>T. VCF-style: chr6-7578468-C-T. GRCh37 (hg19) VCF-style: chr6-7578701-C-T.
Other names: c.2990C>T, p.Ala997Val (NM_001008844.3, NM_001319034.2); short protein forms A997V.
Identifiers: ClinVar variation 1920344 (VCV001920344.5), dbSNP rs2533919582, ClinGen allele CA362682599.
Genomic context (GRCh38, chr6:7,578,468, plus strand): 5'-TAGGACTTTTTTTTTAATGCAATATCTTTTTCTTTCTTTCCTTCCTTTTCTCCAAGGCTG[C>T]AGATGTTCATGCTCGGTACATTGAACTACTTACAAGATCTGGAGACTATTACAGGTTCTT-3'
Protein context (NP_004406.2, residues 987-1007): SPSGVILQEA[Ala997Val]DVHARYIELL

ClinVar aggregate classification (germline): Uncertain significance (1 of 4 stars; one submission).

Conditions:
Arrhythmogenic cardiomyopathy with wooly hair and keratoderma. Also called: Arrhythmogenic cardiomyopathy with woolly hair and keratoderma; PALMOPLANTAR KERATODERMA WITH LEFT VENTRICULAR CARDIOMYOPATHY AND WOOLLY HAIR; Dilated cardiomyopathy with woolly hair and keratoderma; Carvajal syndrome. Identifiers: Orphanet 65282, MedGen C1854063, MONDO:0011581, OMIM 605676.
Arrhythmogenic right ventricular dysplasia 8 (ARVD8). Also called: Arrhythmogenic Right Ventricular Dysplasia/Cardiomyopathy 8; ARRHYTHMOGENIC RIGHT VENTRICULAR CARDIOMYOPATHY 8; ARRHYTHMOGENIC RIGHT VENTRICULAR DYSPLASIA, FAMILIAL, 8. Identifiers: MedGen C1843896, MONDO:0011831, OMIM 607450.

Submission:

Labcorp Genetics (formerly Invitae), Labcorp
Classification: Uncertain significance for Arrhythmogenic cardiomyopathy with wooly hair and keratoderma; Arrhythmogenic right ventricular dysplasia 8. Last evaluated: 2022-04-07. Review status: criteria provided, single submitter. Criteria: Invitae Variant Classification Sherloc (09022015). Collection method: clinical testing. Allele origin: germline.
Comment: In summary, the available evidence is currently insufficient to determine the role of this variant in disease. Therefore, it has been classified as a Variant of Uncertain Significance. Algorithms developed to predict the effect of missense changes on protein structure and function are either unavailable or do not agree on the potential impact of this missense change (SIFT: "Deleterious"; PolyPhen-2: "Possibly Damaging"; Align-GVGD: "Class C0"). This variant has not been reported in the literature in individuals affected with DSP-related conditions. This variant is not present in population databases (gnomAD no frequency). This sequence change replaces alanine, which is neutral and non-polar, with valine, which is neutral and non-polar, at codon 997 of the DSP protein (p.Ala997Val).